The following is an entry in ClinVar:

NM_022489.4(INF2):c.843+16C>T

Gene: INF2 (inverted formin 2; plus strand). Cytogenetic location: 14q32.33.
Variant type: single nucleotide variant.
Coding change: c.843+16C>T on transcript NM_022489.4 (MANE Select); 16 bases into the intron after coding-DNA position 843, C replaced by T.
Molecular consequence: intron variant.
Genome position (GRCh38, 1-based): chr14:104,706,192, C>T. VCF-style: chr14-104706192-C-T. GRCh37 (hg19) VCF-style: chr14-105172529-C-T.
Other names: c.843+16C>T (NM_001031714.4).
Identifiers: ClinVar variation 261628 (VCV000261628.18), dbSNP rs118017785, ClinGen allele CA7372432.

ClinVar aggregate classification (germline): Benign. Review status: criteria provided, multiple submitters, no conflicts (2 of 4 stars). 7 submissions from 7 submitters: Benign (5). 2 of the submissions do not count toward it. Last evaluated 2026-02-04.

Conditions:
Charcot-Marie-Tooth disease dominant intermediate E. Also called: CHARCOT-MARIE-TOOTH NEUROPATHY WITH FOCAL SEGMENTAL GLOMERULONEPHRITIS. Identifiers: Orphanet 93114, MedGen C4302667, MONDO:0013758, OMIM 614455.
Focal segmental glomerulosclerosis 5 (FSGS5). Identifiers: Orphanet 656, MedGen C2750475, MONDO:0013191, OMIM 613237.

Allele frequency attached by ClinVar (database versions not stated): 1000 Genomes Project 0.04553; 1000 Genomes Project 30x 0.04560; ESP Exome Variant Server 0.05518; TOPMed 0.05691; gnomAD 0.05808 and 0.05883; gnomAD exomes 0.06855 and 0.07635; ExAC 0.10341.
gnomAD v4.1: 116,308 of 1,555,734 alleles (7.5%); highest among the groups gnomAD compares: Middle Eastern, 10%; 4,917 homozygotes.

Submissions (7):

Labcorp Genetics (formerly Invitae), Labcorp
Classification: Benign for Charcot-Marie-Tooth disease dominant intermediate E; Focal segmental glomerulosclerosis 5. Last evaluated: 2026-02-04. Review status: criteria provided, single submitter. Criteria: Invitae Variant Classification Sherloc (09022015). Collection method: clinical testing. Allele origin: germline.

Blueprint Genetics
Classification: Benign. Last evaluated: 2024-11-27. Review status: criteria provided, single submitter. Criteria: ACMG Guidelines, 2015. Collection method: clinical testing. Allele origin: germline.

GeneDx
Classification: Benign. Last evaluated: 2015-12-29. Review status: criteria provided, single submitter. Criteria: GeneDx Variant Classification (06012015). Collection method: clinical testing. Allele origin: germline. Affected: yes.
Comment: This variant is considered likely benign or benign based on one or more of the following criteria: it is a conservative change, it occurs at a poorly conserved position in the protein, it is predicted to be benign by multiple in silico algorithms, and/or has population frequency not consistent with disease.

Breakthrough Genomics
Classification: Benign. Review status: criteria provided, single submitter. Criteria: ACMG Guidelines, 2015. Collection method: not provided. Allele origin: germline. Inheritance: Autosomal dominant inheritance. Affected: yes.

PreventionGenetics, part of Exact Sciences
Classification: Benign. Review status: criteria provided, single submitter. Criteria: ACMG Guidelines, 2015. Collection method: clinical testing. Allele origin: germline.

Clinical Genetics, Academic Medical Center
Classification: Benign. Review status: no assertion criteria provided. Collection method: clinical testing. Allele origin: germline. Affected: yes. Study: VKGL Data-share Consensus. Not counted in ClinVar's aggregate classification.

Joint Genome Diagnostic Labs from Nijmegen and Maastricht, Radboudumc and MUMC+
Classification: Benign. Review status: no assertion criteria provided. Collection method: clinical testing. Allele origin: germline. Affected: yes. Study: VKGL Data-share Consensus. Not counted in ClinVar's aggregate classification.